The following is an entry in ClinVar:

ClinVar aggregate classification (germline): Uncertain significance (1 of 4 stars; one submission).

Conditions:
Hereditary cancer-predisposing syndrome. Also called: Neoplastic Syndromes, Hereditary; Tumor predisposition; Hereditary Cancer Syndrome; Hereditary neoplastic syndrome. Identifiers: Orphanet 140162, MedGen C0027672, MeSH D009386, MONDO:0015356.

Submission:

Ambry Genetics
Classification: Uncertain significance for Hereditary cancer-predisposing syndrome. Last evaluated: 2026-04-22. Review status: criteria provided, single submitter. Criteria: Ambry Variant Classification Scheme 2023. Collection method: clinical testing. Allele origin: germline.
Comment: The c.910-3T>C intronic variant results from a T to C substitution 3 nucleotides upstream from coding exon 10 in the POLE gene. This nucleotide position is not well conserved in available vertebrate species. In silico splice site analysis predicts that this alteration may result in the creation or strengthening of a novel splice acceptor site. Based on the available evidence, the clinical significance of this variant remains unclear.

NM_006231.4(POLE):c.910-3T>C

Gene: POLE (DNA polymerase epsilon, catalytic subunit; minus strand). Cytogenetic location: 12q24.33.
Variant type: single nucleotide variant.
Coding change: c.910-3T>C on transcript NM_006231.4 (MANE Select); 3 bases into the intron before coding-DNA position 910, T replaced by C.
Molecular consequence: intron variant.
Genome position (GRCh38, 1-based): chr12:132,676,207, A>G on the plus strand (T>C on the coding strand, the complement: POLE is on the minus strand). VCF-style: chr12-132676207-A-G. GRCh37 (hg19) VCF-style: chr12-133252793-A-G.
Identifiers: ClinVar variation 4862271 (VCV004862271.1).